The following is an entry in ClinVar:

NM_001386298.1(CIC):c.6457C>T (p.Arg2153Trp)

Gene: CIC (capicua transcriptional repressor; plus strand). Cytogenetic location: 19q13.2.
Variant type: single nucleotide variant.
Coding change: c.6457C>T on transcript NM_001386298.1 (MANE Select); coding-DNA position 6457, C replaced by T.
Protein change: p.Arg2153Trp; replaces arginine 2153 with tryptophan.
Molecular consequence: missense variant.
Genome position (GRCh38, 1-based): chr19:42,293,216, C>T. VCF-style: chr19-42293216-C-T. GRCh37 (hg19) VCF-style: chr19-42797368-C-T.
Other names: c.6457C>T, p.Arg2153Trp (NM_001304815.2, NM_001379482.1); c.6454C>T, p.Arg2152Trp (NM_001379480.1); c.3730C>T, p.Arg1244Trp (NM_001379484.1, NM_001379485.1, NM_015125.5); c.3730C>T (NM_015125.3); short protein forms R1244W, R2153W, R2152W.
Identifiers: ClinVar variation 133910 (VCV000133910.25), dbSNP rs587778201, ClinGen allele CA158138.

ClinVar aggregate classification (germline): Conflicting classifications of pathogenicity. Review status: criteria provided, conflicting classifications (1 of 4 stars). 3 submissions from 3 submitters: Uncertain significance (1); Likely benign (1). 1 of the submissions does not count toward it. Last evaluated 2025-05-14.

Conditions:
Inborn genetic diseases. Identifiers: MedGen C0950123, MeSH D030342.

Allele frequency attached by ClinVar (database versions not stated): TOPMed 0.00002; gnomAD 0.00003.
gnomAD v4.1: 18 of 1,596,136 alleles (0.0011%); highest among the groups gnomAD compares: Non-Finnish European, 0.0014%; no homozygotes.

Submissions (3):

Ambry Genetics
Classification: Uncertain significance for Inborn genetic diseases. Last evaluated: 2025-05-14. Review status: criteria provided, single submitter. Criteria: Ambry Variant Classification Scheme 2023. Collection method: clinical testing. Allele origin: germline.

CeGaT Center for Human Genetics Tuebingen
Classification: Likely benign. Last evaluated: 2022-11-01. Review status: criteria provided, single submitter. Criteria: CeGaT Center For Human Genetics Tuebingen Variant Classification Criteria Version 2. Collection method: clinical testing. Allele origin: germline. Affected: yes. Observed: 1 variant allele.
Comment: CIC: BP4

ITMI
No classification provided. Condition: AllHighlyPenetrant. Last evaluated: 2013-09-19. Review status: no classification provided. Collection method: reference population. Allele origin: germline. Not counted in ClinVar's aggregate classification.
Comment: Please see associated publication for description of ethnicities

Literature cited by the submitters: PubMed 24728327 (cited by ITMI).